The following is an entry in ClinVar:

ClinVar aggregate classification (germline): Uncertain significance (1 of 4 stars; one submission).

Submission:

GeneDx
Classification: Uncertain significance. Last evaluated: 2020-07-31. Review status: criteria provided, single submitter. Criteria: GeneDx Variant Classification Process June 2021. Collection method: clinical testing. Allele origin: germline. Affected: yes.
Comment: Has not been previously published as pathogenic or benign to our knowledge; A missense variant (c.7250 T>G) that results in the same amino acid substitution has been identified in multiple Chinese patients with intracranial artery stenosis/occlusion disease, although it was also identified as heterozygous in control populations (Liao et al., 2019); Not observed in large population cohorts (Lek et al., 2016); In silico analysis, which includes protein predictors and evolutionary conservation, supports a deleterious effect

NM_001256071.3(RNF213):c.7245_7250delinsCGTTAG (p.Ile2417Ser)

Gene: RNF213 (ring finger protein 213; plus strand). Cytogenetic location: 17q25.3.
Variant type: Indel.
Coding change: c.7245_7250delinsCGTTAG on transcript NM_001256071.3 (MANE Select); coding-DNA positions 7245 to 7250, GGTTAT replaced by CGTTAG.
Protein change: p.Ile2417Ser; replaces isoleucine 2417 with serine.
Molecular consequence: missense variant.
Genome position (GRCh38, 1-based): chr17:80,345,580-80,345,585, GGTTAT replaced by CGTTAG. VCF-style: chr17-80345580-GGTTAT-CGTTAG. GRCh37 (hg19) VCF-style: chr17-78319380-GGTTAT-CGTTAG.
Other names: short protein forms I2417S.
Identifiers: ClinVar variation 1316956 (VCV001316956.2), dbSNP rs2144125296, ClinGen allele CA2573054610.